The following is an entry in ClinVar:

ClinVar aggregate classification (germline): Conflicting classifications of pathogenicity. Review status: criteria provided, conflicting classifications (1 of 4 stars). 2 submissions from 1 submitter: Uncertain significance (1); Likely benign (1). Last evaluated 2017-04-27.

Conditions:
Holoprosencephaly 7 (HPE7). Identifiers: Orphanet 2162, MedGen C1835820, MONDO:0012562, OMIM 610828.
Gorlin syndrome. Also called: Basal cell nevus syndrome; Nevoid Basal Cell Carcinoma Syndrome. Identifiers: Orphanet 377, MedGen C0004779, MONDO:0007187.

Allele frequency attached by ClinVar (database versions not stated): 1000 Genomes Project 0.00020; gnomAD exomes 0.00026; 1000 Genomes Project 30x 0.00031; gnomAD 0.00040 and 0.00041; TOPMed 0.00046.
gnomAD v4.1: 62 of 160,352 alleles (0.039%); highest among the groups gnomAD compares: Admixed American, 0.043%; no homozygotes.

Submissions (2):

Illumina Laboratory Services, Illumina
Classification: Uncertain significance for Holoprosencephaly 7. Last evaluated: 2017-04-27. Review status: criteria provided, single submitter. Criteria: ICSL Variant Classification Criteria 13 December 2019. Collection method: clinical testing. Allele origin: germline.

Illumina Laboratory Services, Illumina
Classification: Likely benign for Basal cell nevus syndrome 1. Last evaluated: 2017-04-27. Review status: criteria provided, single submitter. Criteria: ICSL Variant Classification Criteria 13 December 2019. Collection method: clinical testing. Allele origin: germline.
Comment: This variant was observed as part of a predisposition screen in an ostensibly healthy population. A literature search was performed for the gene, cDNA change, and amino acid change (where applicable). No publications were found based on this search. Allele frequency data from public databases allowed determination this variant is unlikely to cause disease. Therefore, this variant is classified as likely benign.

NM_000264.5(PTCH1):c.*450A>C

Gene: PTCH1 (patched 1; minus strand). Cytogenetic location: 9q22.32.
Variant type: single nucleotide variant.
Coding change: c.*450A>C on transcript NM_000264.5 (MANE Select); 450 bases downstream of the stop codon, A replaced by C.
Molecular consequence: 3 prime UTR variant. On other transcripts: non-coding transcript variant (1).
Genome position (GRCh38, 1-based): chr9:95,445,943, T>G on the plus strand (A>C on the coding strand, the complement: PTCH1 is on the minus strand). VCF-style: chr9-95445943-T-G. GRCh37 (hg19) VCF-style: chr9-98208225-T-G.
Other names: c.*450A>C (NM_001083602.3, NM_001083603.3, NM_001083604.3 and 4 more transcripts).
Identifiers: ClinVar variation 914740 (VCV000914740.4), dbSNP rs192994934, ClinGen allele CA196554936.